The following is an entry in ClinVar:

NM_002691.4(POLD1):c.3011C>T (p.Ala1004Val)

Gene: POLD1 (DNA polymerase delta 1, catalytic subunit; plus strand). Cytogenetic location: 19q13.33.
Variant type: single nucleotide variant.
Coding change: c.3011C>T on transcript NM_002691.4 (MANE Select); coding-DNA position 3011, C replaced by T.
Protein change: p.Ala1004Val; replaces alanine 1004 with valine.
Molecular consequence: missense variant. On other transcripts: non-coding transcript variant (1).
Genome position (GRCh38, 1-based): chr19:50,416,667, C>T. VCF-style: chr19-50416667-C-T. GRCh37 (hg19) VCF-style: chr19-50919924-C-T.
Other names: c.3011C>T, p.Ala1004Val (NM_001256849.1); c.3089C>T, p.Ala1030Val (NM_001308632.1); short protein forms A1030V, A1004V.
Identifiers: ClinVar variation 2848411 (VCV002848411.3), dbSNP rs2122497010, ClinGen allele CA406986917.
Genomic context (GRCh38, chr19:50,416,667, plus strand): 5'-CAGGGGGGGACCACACGCGCTGCAAGACGGTGCTCACGGGCAAGGTGGGCGGCCTCCTGG[C>T]CTTCGCCAAACGCCGCAACTGCTGCATTGGCTGCCGCACAGTGCTCAGCCACCAGGGTGA-3'
Protein context (NP_002682.2, residues 994-1014): VLTGKVGGLL[Ala1004Val]FAKRRNCCIG

ClinVar aggregate classification (germline): Uncertain significance (1 of 4 stars; one submission).

Conditions:
POLD1-related polyposis and colorectal cancer syndrome (CRCS10). Also called: Colorectal cancer 10; COLORECTAL CANCER, SUSCEPTIBILITY TO, ON CHROMOSOME 19q; Colorectal cancer, susceptibility to, 10. Identifiers: Orphanet 220460, MedGen C2675481, MONDO:0012953, OMIM 612591.

Submission:

Labcorp Genetics (formerly Invitae), Labcorp
Classification: Uncertain significance for POLD1-related polyposis and colorectal cancer syndrome. Last evaluated: 2023-06-14. Review status: criteria provided, single submitter. Criteria: Invitae Variant Classification Sherloc (09022015). Collection method: clinical testing. Allele origin: germline.
Comment: Advanced modeling of protein sequence and biophysical properties (such as structural, functional, and spatial information, amino acid conservation, physicochemical variation, residue mobility, and thermodynamic stability) performed at Invitae indicates that this missense variant is not expected to disrupt POLD1 protein function. In summary, the available evidence is currently insufficient to determine the role of this variant in disease. Therefore, it has been classified as a Variant of Uncertain Significance. This variant has not been reported in the literature in individuals affected with POLD1-related conditions. This sequence change replaces alanine, which is neutral and non-polar, with valine, which is neutral and non-polar, at codon 1004 of the POLD1 protein (p.Ala1004Val). This variant is not present in population databases (gnomAD no frequency).